The following is an entry in ClinVar:

ClinVar aggregate classification (germline): Uncertain significance (1 of 4 stars; one submission).

Submission:

Greenwood Genetic Center Diagnostic Laboratories, Greenwood Genetic Center
Classification: Uncertain significance. Last evaluated: 2023-08-09. Review status: criteria provided, single submitter. Criteria: ACMG Guidelines, 2015. Collection method: clinical testing. Allele origin: germline. Affected: yes.
Comment: Gene of Uncertain Significance

NM_003024.3(ITSN1):c.1880C>T (p.Ala627Val)

Gene: ITSN1 (intersectin 1; plus strand). Cytogenetic location: 21q22.11.
Variant type: single nucleotide variant.
Coding change: c.1880C>T on transcript NM_003024.3 (MANE Select); coding-DNA position 1880, C replaced by T.
Protein change: p.Ala627Val; replaces alanine 627 with valine.
Molecular consequence: missense variant.
Genome position (GRCh38, 1-based): chr21:33,794,396, C>T. VCF-style: chr21-33794396-C-T. GRCh37 (hg19) VCF-style: chr21-35166700-C-T.
Other names: c.1880C>T, p.Ala627Val (NM_001001132.2, NM_001331008.2, NM_001331009.2 and 2 more transcripts); c.1769C>T, p.Ala590Val (NM_001331012.2); short protein forms A590V, A627V.
Identifiers: ClinVar variation 2626877 (VCV002626877.1), dbSNP rs2517724411, ClinGen allele CA410130600.